The following is an entry in ClinVar:

NM_021620.4(PRDM13):c.1105G>T (p.Ala369Ser)

Genes: PRDM13 (PR/SET domain 13; plus strand), LOC129996881 (ATAC-STARR-seq lymphoblastoid silent region 17422; plus strand). Cytogenetic location: 6q16.2.
Variant type: single nucleotide variant.
Coding change: c.1105G>T on transcript NM_021620.4 (MANE Select); coding-DNA position 1105, G replaced by T.
Protein change: p.Ala369Ser; replaces alanine 369 with serine.
Molecular consequence: missense variant.
Genome position (GRCh38, 1-based): chr6:99,613,740, G>T. VCF-style: chr6-99613740-G-T. GRCh37 (hg19) VCF-style: chr6-100061616-G-T.
Other names: short protein forms A369S.
Identifiers: ClinVar variation 2334866 (VCV002334866.5), dbSNP rs560495179, ClinGen allele CA365117725.

ClinVar aggregate classification (germline): Uncertain significance. Review status: criteria provided, multiple submitters, no conflicts (2 of 4 stars). 2 submissions from 2 submitters: Uncertain significance (2). Last evaluated 2023-05-16.

Conditions:
Inborn genetic diseases. Identifiers: MedGen C0950123, MeSH D030342.

gnomAD v4.1: 19 of 1,485,734 alleles (0.0013%); highest among the groups gnomAD compares: Non-Finnish European, 0.0016%; no homozygotes.

Submissions (2):

Labcorp Genetics (formerly Invitae), Labcorp
Classification: Uncertain significance. Last evaluated: 2023-05-16. Review status: criteria provided, single submitter. Criteria: Invitae Variant Classification Sherloc (09022015). Collection method: clinical testing. Allele origin: germline.
Comment: Algorithms developed to predict the effect of missense changes on protein structure and function output the following: SIFT: "Not Available"; PolyPhen-2: "Benign"; Align-GVGD: "Not Available". The serine amino acid residue is found in multiple mammalian species, which suggests that this missense change does not adversely affect protein function. ClinVar contains an entry for this variant (Variation ID: 2334866). This variant has not been reported in the literature in individuals affected with PRDM13-related conditions. This variant is not present in population databases (gnomAD no frequency). This sequence change replaces alanine, which is neutral and non-polar, with serine, which is neutral and polar, at codon 369 of the PRDM13 protein (p.Ala369Ser). In summary, the available evidence is currently insufficient to determine the role of this variant in disease. Therefore, it has been classified as a Variant of Uncertain Significance.

Ambry Genetics
Classification: Uncertain significance for Inborn genetic diseases. Last evaluated: 2022-12-14. Review status: criteria provided, single submitter. Criteria: Ambry Variant Classification Scheme 2023. Collection method: clinical testing. Allele origin: germline.